The following is an entry in ClinVar:

ClinVar aggregate classification (germline): Conflicting classifications of pathogenicity. Review status: criteria provided, conflicting classifications (1 of 4 stars). 2 submissions from 2 submitters: Likely pathogenic (1); Uncertain significance (1). Last evaluated 2023-10-29.

Conditions:
Kabuki syndrome. Also called: NIIKAWA-KUROKI SYNDROME; Kabuki make-up syndrome. Identifiers: Orphanet 2322, MedGen C0796004, MONDO:0016512.
Neurodevelopmental disorder. Identifiers: MONDO:0700092, MedGen C1535926, MeSH D065886.

Submissions (2):

Labcorp Genetics (formerly Invitae), Labcorp
Classification: Likely pathogenic for Kabuki syndrome. Last evaluated: 2023-10-29. Review status: criteria provided, single submitter. Criteria: Invitae Variant Classification Sherloc (09022015). Collection method: clinical testing. Allele origin: germline.
Comment: This sequence change replaces tyrosine, which is neutral and polar, with cysteine, which is neutral and slightly polar, at codon 5510 of the KMT2D protein (p.Tyr5510Cys). This variant is not present in population databases (gnomAD no frequency). This missense change has been observed in individual(s) with autism spectrum disorder (PMID: 25363768, 31785789, 34011629, 35982160). ClinVar contains an entry for this variant (Variation ID: 1701876). Advanced modeling of protein sequence and biophysical properties (such as structural, functional, and spatial information, amino acid conservation, physicochemical variation, residue mobility, and thermodynamic stability) performed at Invitae indicates that this missense variant is expected to disrupt KMT2D protein function with a positive predictive value of 95%. This variant disrupts the p.Tyr5510 amino acid residue in KMT2D. Other variant(s) that disrupt this residue have been determined to be pathogenic (PMID: 24633898, 30107592). This suggests that this residue is clinically significant, and that variants that disrupt this residue are likely to be disease-causing. In summary, the currently available evidence indicates that the variant is pathogenic, but additional data are needed to prove that conclusively. Therefore, this variant has been classified as Likely Pathogenic.

Laboratory of Molecular Genetics (Pr. Bezieau's lab), CHU de Nantes
Classification: Uncertain significance for Neurodevelopmental disorder. Last evaluated: 2022-04-14. Review status: criteria provided, single submitter. Criteria: ACMG Guidelines, 2015. Collection method: clinical testing. Allele origin: germline. Affected: yes.

Literature cited by the submitters: PubMed 25363768 (cited by Labcorp Genetics (formerly Invitae), Labcorp); PubMed 31785789 (cited by Labcorp Genetics (formerly Invitae), Labcorp); PubMed 34011629 (cited by Labcorp Genetics (formerly Invitae), Labcorp); PubMed 35982160 (cited by Labcorp Genetics (formerly Invitae), Labcorp); PubMed 24633898 (cited by Labcorp Genetics (formerly Invitae), Labcorp); PubMed 30107592 (cited by Labcorp Genetics (formerly Invitae), Labcorp).

NM_003482.4(KMT2D):c.16529A>G (p.Tyr5510Cys)

Gene: KMT2D (lysine methyltransferase 2D; minus strand). Cytogenetic location: 12q13.12.
Variant type: single nucleotide variant.
Coding change: c.16529A>G on transcript NM_003482.4 (MANE Select); coding-DNA position 16529, A replaced by G.
Protein change: p.Tyr5510Cys; replaces tyrosine 5510 with cysteine.
Molecular consequence: missense variant.
Genome position (GRCh38, 1-based): chr12:49,021,865, T>C on the plus strand (A>G on the coding strand, the complement: KMT2D is on the minus strand). VCF-style: chr12-49021865-T-C. GRCh37 (hg19) VCF-style: chr12-49415648-T-C.
Other names: short protein forms Y5510C.
Identifiers: ClinVar variation 1701876 (VCV001701876.4), dbSNP rs1383821738, ClinGen allele CA384675504.
Genomic context (GRCh38, chr12:49,021,865, plus strand): 5'-CAGGCTCCACAGTGGCAGGGGATCTTGTGCTGATCGTCCTCAAAATCAAACTGATAGTCA[T>C]AGGTTAGCTGAAAAGAGAAGAGGGCAGAATCAATGCTAGTCCCCCACAGGAAGAGGGGAG-3'
Protein context (NP_003473.3, residues 5500-5520): RRIPKGEELT[Tyr5510Cys]DYQFDFEDDQ